The following is an entry in ClinVar:

NM_001267550.2(TTN):c.5441A>G (p.Gln1814Arg)

Gene: TTN (titin; minus strand). Cytogenetic location: 2q31.2.
Variant type: single nucleotide variant.
Coding change: c.5441A>G on transcript NM_001267550.2 (MANE Select); coding-DNA position 5441, A replaced by G.
Protein change: p.Gln1814Arg; replaces glutamine 1814 with arginine.
Molecular consequence: missense variant.
Genome position (GRCh38, 1-based): chr2:178,776,423, T>C on the plus strand (A>G on the coding strand, the complement: TTN is on the minus strand). VCF-style: chr2-178776423-T-C. GRCh37 (hg19) VCF-style: chr2-179641150-T-C.
Other names: c.5441A>G, p.Gln1814Arg (NM_001256850.1, NM_133378.4, NM_133379.5); c.5303A>G, p.Gln1768Arg (NM_003319.4, NM_133432.3, NM_133437.4); c.5441A>G (NM_001267550.1); short protein forms Q1768R, Q1814R.
Identifiers: ClinVar variation 3571612 (VCV003571612.1), dbSNP rs1574658288.

ClinVar aggregate classification (germline): Uncertain significance (1 of 4 stars; one submission).

gnomAD v4.1: 3 of 1,610,806 alleles (0.00019%); highest among the groups gnomAD compares: Non-Finnish European, 0.00025%; no homozygotes.

Submission:

Athena Diagnostics
Classification: Uncertain significance. Last evaluated: 2024-04-16. Review status: criteria provided, single submitter. Criteria: Athena Diagnostics Criteria. Collection method: clinical testing. Allele origin: unknown.
Comment: Available data are insufficient to determine the clinical significance of the variant at this time. This variant has not been reported in large, multi-ethnic general populations. Computational tools disagree on the variant's effect on normal protein function.